The following is an entry in ClinVar:

NM_001365308.1(BMPER):c.1744C>T (p.Arg582Trp)

Gene: BMPER (BMP binding endothelial regulator; plus strand). Cytogenetic location: 7p14.3.
Variant type: single nucleotide variant.
Coding change: c.1744C>T on transcript NM_001365308.1 (MANE Select); coding-DNA position 1744, C replaced by T.
Protein change: p.Arg582Trp; replaces arginine 582 with tryptophan.
Molecular consequence: missense variant.
Genome position (GRCh38, 1-based): chr7:34,086,091, C>T. VCF-style: chr7-34086091-C-T. GRCh37 (hg19) VCF-style: chr7-34125703-C-T.
Other names: c.1414C>T, p.Arg472Trp (NM_001410872.1); c.1744C>T, p.Arg582Trp (NM_133468.5); short protein forms R582W, R472W.
Identifiers: ClinVar variation 2180879 (VCV002180879.6), dbSNP rs138648093, ClinGen allele CA4215479.

ClinVar aggregate classification (germline): Uncertain significance. Review status: criteria provided, multiple submitters, no conflicts (2 of 4 stars). 2 submissions from 2 submitters: Uncertain significance (2). Last evaluated 2024-10-06.

Conditions:
Diaphanospondylodysostosis. Also called: VERTEBRAL OSSIFICATION, DEFECT IN, WITH NEPHROGENIC RESTS. Identifiers: Orphanet 66637, MedGen C1842691, MONDO:0011946, OMIM 608022.

Allele frequency attached by ClinVar (database versions not stated): gnomAD exomes 0.00003; TOPMed 0.00003; ExAC 0.00004; gnomAD 0.00009; 1000 Genomes Project 30x 0.00031; 1000 Genomes Project 0.00040.
gnomAD v4.1: 63 of 1,613,504 alleles (0.0039%); highest among the groups gnomAD compares: African/African-American, 0.019%; no homozygotes.

Submissions (2):

Labcorp Genetics (formerly Invitae), Labcorp
Classification: Uncertain significance. Last evaluated: 2024-10-06. Review status: criteria provided, single submitter. Criteria: Invitae Variant Classification Sherloc (09022015). Collection method: clinical testing. Allele origin: germline.
Comment: This sequence change replaces arginine, which is basic and polar, with tryptophan, which is neutral and slightly polar, at codon 582 of the BMPER protein (p.Arg582Trp). This variant is present in population databases (rs138648093, gnomAD 0.04%). This variant has not been reported in the literature in individuals affected with BMPER-related conditions. ClinVar contains an entry for this variant (Variation ID: 2180879). An algorithm developed to predict the effect of missense changes on protein structure and function outputs the following: PolyPhen-2: "Benign". The tryptophan amino acid residue is found in multiple mammalian species, which suggests that this missense change does not adversely affect protein function. In summary, the available evidence is currently insufficient to determine the role of this variant in disease. Therefore, it has been classified as a Variant of Uncertain Significance.

Revvity Omics, Revvity
Classification: Uncertain significance for Diaphanospondylodysostosis. Last evaluated: 2023-07-21. Review status: criteria provided, single submitter. Criteria: ACMG Guidelines, 2015. Collection method: clinical testing. Allele origin: germline.